The following is an entry in ClinVar:

NC_000005.10:g.112707399del

Gene: APC (APC regulator of Wnt signaling pathway; plus strand). Cytogenetic location: 5q22.2.
Variant type: Deletion.
Genome position: GRCh38 VCF-style: chr5-112707397-GA-G. GRCh37 (hg19) VCF-style: chr5-112043094-GA-G.
Identifiers: ClinVar variation 1489218 (VCV001489218.6), dbSNP rs1750555465, ClinGen allele CA1573442245.

ClinVar aggregate classification (germline): Uncertain significance (1 of 4 stars; one submission).

Conditions:
Familial adenomatous polyposis 1 (FAP1). Also called: POLYPOSIS, ADENOMATOUS INTESTINAL; FAMILIAL ADENOMATOUS POLYPOSIS 1, ATTENUATED. Identifiers: MedGen C2713442, MONDO:0021056, OMIM 175100. Disease mechanism: loss of function.

Submission:

Labcorp Genetics (formerly Invitae), Labcorp
Classification: Uncertain significance for Familial adenomatous polyposis 1. Last evaluated: 2021-09-26. Review status: criteria provided, single submitter. Criteria: Invitae Variant Classification Sherloc (09022015). Collection method: clinical testing. Allele origin: germline.
Comment: Experimental studies and prediction algorithms are not available or were not evaluated, and the functional significance of this variant is currently unknown. In summary, the available evidence is currently insufficient to determine the role of this variant in disease. Therefore, it has been classified as a Variant of Uncertain Significance. This variant has not been reported in the literature in individuals affected with APC-related conditions. The frequency data for this variant in the population databases is considered unreliable, as metrics indicate insufficient coverage at this position in the ExAC database. This variant occurs in a non-coding region of the APC gene. It does not change the encoded amino acid sequence of the APC protein.